The following is an entry in ClinVar:

ClinVar aggregate classification (germline): Conflicting classifications of pathogenicity. Review status: criteria provided, conflicting classifications (1 of 4 stars). 5 submissions from 5 submitters: Uncertain significance (2); Likely benign (3). Last evaluated 2026-07-01.

Conditions:
Knobloch syndrome (KNO). Also called: Myopia retinal detachment encephalocele; RETINAL DETACHMENT AND OCCIPITAL ENCEPHALOCELE. Identifiers: Orphanet 1571, MedGen C1849409, MONDO:0800166.
Inborn genetic diseases. Identifiers: MedGen C0950123, MeSH D030342.

Allele frequency attached by ClinVar (database versions not stated): 1000 Genomes Project 30x 0.00031; TOPMed 0.00061; ExAC 0.00074; gnomAD exomes 0.00076; gnomAD 0.00078 and 0.00081.
gnomAD v4.1: 946 of 1,512,518 alleles (0.063%); highest among the groups gnomAD compares: Non-Finnish European, 0.075%; 1 homozygote.

Submissions (5):

CeGaT Center for Human Genetics Tuebingen
Classification: Likely benign. Last evaluated: 2026-07-01. Review status: criteria provided, single submitter. Criteria: CeGaT Center For Human Genetics Tuebingen Variant Classification Criteria Version 2. Collection method: clinical testing. Allele origin: germline. Affected: yes. Observed: 3 variant alleles.
Comment: COL18A1: BS2

Blueprint Genetics
Classification: Likely benign. Last evaluated: 2024-11-21. Review status: criteria provided, single submitter. Criteria: ACMG Guidelines, 2015. Collection method: clinical testing. Allele origin: germline.

Labcorp Genetics (formerly Invitae), Labcorp
Classification: Uncertain significance. Last evaluated: 2022-10-17. Review status: criteria provided, single submitter. Criteria: Invitae Variant Classification Sherloc (09022015). Collection method: clinical testing. Allele origin: germline.
Comment: This sequence change replaces alanine, which is neutral and non-polar, with valine, which is neutral and non-polar, at codon 587 of the COL18A1 protein (p.Ala587Val). This variant is present in population databases (rs199823547, gnomAD 0.2%), and has an allele count higher than expected for a pathogenic variant. This variant has not been reported in the literature in individuals affected with COL18A1-related conditions. ClinVar contains an entry for this variant (Variation ID: 340229). Experimental studies and prediction algorithms are not available or were not evaluated, and the functional significance of this variant is currently unknown. In summary, the available evidence is currently insufficient to determine the role of this variant in disease. Therefore, it has been classified as a Variant of Uncertain Significance.

Ambry Genetics
Classification: Likely benign for Inborn genetic diseases. Last evaluated: 2022-01-21. Review status: criteria provided, single submitter. Criteria: Ambry Variant Classification Scheme 2023. Collection method: clinical testing. Allele origin: germline.

Illumina Laboratory Services, Illumina
Classification: Uncertain significance for Knobloch syndrome 1. Last evaluated: 2018-01-12. Review status: criteria provided, single submitter. Criteria: ICSL Variant Classification Criteria 13 December 2019. Collection method: clinical testing. Allele origin: germline.

NM_001379500.1(COL18A1):c.1760C>T (p.Ala587Val)

Gene: COL18A1 (collagen type XVIII alpha 1 chain; plus strand). Cytogenetic location: 21q22.3.
Variant type: single nucleotide variant.
Coding change: c.1760C>T on transcript NM_001379500.1 (MANE Select); coding-DNA position 1760, C replaced by T.
Protein change: p.Ala587Val; replaces alanine 587 with valine.
Molecular consequence: missense variant.
Genome position (GRCh38, 1-based): chr21:45,486,919, C>T. VCF-style: chr21-45486919-C-T. GRCh37 (hg19) VCF-style: chr21-46906833-C-T.
Other names: NM_130445.2:c.1760C>T; c.2300C>T, p.Ala767Val (NM_030582.4); c.3005C>T, p.Ala1002Val (NM_130444.3); short protein forms A767V, A1002V.
Identifiers: ClinVar variation 340229 (VCV000340229.12), dbSNP rs199823547, ClinGen allele CA10066533.